The following is an entry in ClinVar:

NM_000092.5(COL4A4):c.2232dup (p.Gly745fs)

Gene: COL4A4 (collagen type IV alpha 4 chain; minus strand). Cytogenetic location: 2q36.3.
Variant type: Duplication.
Coding change: c.2232dup on transcript NM_000092.5 (MANE Select); coding-DNA position 2232, one base duplicated (A; older notation c.2232dupA).
Protein change: p.Gly745fs; shifts the reading frame from glycine 745.
Molecular consequence: frameshift variant.
Genome position (GRCh38, 1-based): chr2:227,059,556, T duplicated on the plus strand (A on the coding strand, the reverse complement: COL4A4 is on the minus strand). VCF-style (leftmost placement, unchanged base first): chr2-227059555-C-CT. GRCh37 (hg19) VCF-style: chr2-227924271-C-CT.
Other names: short protein forms G745fs.
Identifiers: ClinVar variation 844538 (VCV000844538.8), dbSNP rs1976356392, ClinGen allele CA916080300.

ClinVar aggregate classification (germline): Pathogenic (1 of 4 stars; one submission).

Submission:

Labcorp Genetics (formerly Invitae), Labcorp
Classification: Pathogenic. Last evaluated: 2021-10-22. Review status: criteria provided, single submitter. Criteria: Invitae Variant Classification Sherloc (09022015). Collection method: clinical testing. Allele origin: germline.
Comment: This sequence change creates a premature translational stop signal (p.Gly745Argfs*43) in the COL4A4 gene. It is expected to result in an absent or disrupted protein product. Loss-of-function variants in COL4A4 are known to be pathogenic (PMID: 21196518, 24854265, 25307543). This variant is not present in population databases (ExAC no frequency). For these reasons, this variant has been classified as Pathogenic. ClinVar contains an entry for this variant (Variation ID: 844538). This variant has not been reported in the literature in individuals affected with COL4A4-related conditions.

Literature cited by the submitters: PubMed 21196518; PubMed 24854265; PubMed 25307543.